The following is an entry in ClinVar:

ClinVar aggregate classification (germline): Uncertain significance. Review status: criteria provided, multiple submitters, no conflicts (2 of 4 stars). 3 submissions from 3 submitters: Uncertain significance (3). Last evaluated 2024-07-22.

Conditions:
Hereditary cancer-predisposing syndrome. Also called: Neoplastic Syndromes, Hereditary; Hereditary Cancer Syndrome; Hereditary neoplastic syndrome; Tumor predisposition. Identifiers: Orphanet 140162, MedGen C0027672, MeSH D009386, MONDO:0015356.
Ataxia-telangiectasia syndrome (AT). Also called: LOUIS-BAR SYNDROME; Ataxia-telangiectasia, complementation group E; Ataxia-telangiectasia, complementation group D; AT, COMPLEMENTATION GROUP C; Ataxia telangiectasia (A-T); Cerebello-oculocutaneous telangiectasia. Identifiers: Orphanet 100, MedGen C0004135, MONDO:0008840, OMIM 208900.

Allele frequency attached by ClinVar (database versions not stated): TOPMed below 0.00001.

Submissions (3):

Labcorp Genetics (formerly Invitae), Labcorp
Classification: Uncertain significance for Ataxia-telangiectasia syndrome. Last evaluated: 2024-07-22. Review status: criteria provided, single submitter. Criteria: Invitae Variant Classification Sherloc (09022015). Collection method: clinical testing. Allele origin: germline.
Comment: This sequence change replaces leucine, which is neutral and non-polar, with valine, which is neutral and non-polar, at codon 936 of the ATM protein (p.Leu936Val). This variant is not present in population databases (gnomAD no frequency). This variant has not been reported in the literature in individuals affected with ATM-related conditions. ClinVar contains an entry for this variant (Variation ID: 643415). An algorithm developed to predict the effect of missense changes on protein structure and function (PolyPhen-2) suggests that this variant is likely to be tolerated. In summary, the available evidence is currently insufficient to determine the role of this variant in disease. Therefore, it has been classified as a Variant of Uncertain Significance.

Color Diagnostics, LLC DBA Color Health
Classification: Uncertain significance for Hereditary cancer-predisposing syndrome. Last evaluated: 2024-03-06. Review status: criteria provided, single submitter. Criteria: ACMG Guidelines, 2015. Collection method: clinical testing. Allele origin: germline.
Comment: This missense variant replaces leucine with valine at codon 936 of the ATM protein. Computational prediction suggests that this variant may not impact protein structure and function (internally defined REVEL score threshold <= 0.5, PMID: 27666373). To our knowledge, functional studies have not been reported for this variant. This variant has not been reported in individuals affected with hereditary cancer in the literature. This variant has not been identified in the general population by the Genome Aggregation Database (gnomAD). The available evidence is insufficient to determine the role of this variant in disease conclusively. Therefore, this variant is classified as a Variant of Uncertain Significance.

Ambry Genetics
Classification: Uncertain significance for Hereditary cancer-predisposing syndrome. Last evaluated: 2023-12-14. Review status: criteria provided, single submitter. Criteria: Ambry Variant Classification Scheme 2023. Collection method: clinical testing. Allele origin: germline.
Comment: The p.L936V variant (also known as c.2806C>G), located in coding exon 17 of the ATM gene, results from a C to G substitution at nucleotide position 2806. The leucine at codon 936 is replaced by valine, an amino acid with highly similar properties. This amino acid position is well conserved in available vertebrate species. In addition, this alteration is predicted to be tolerated by in silico analysis. Since supporting evidence is limited at this time, the clinical significance of this alteration remains unclear.

NM_000051.4(ATM):c.2806C>G (p.Leu936Val)

Gene: ATM (ATM serine/threonine kinase; plus strand). Cytogenetic location: 11q22.3.
Variant type: single nucleotide variant.
Coding change: c.2806C>G on transcript NM_000051.4 (MANE Select); coding-DNA position 2806, C replaced by G.
Protein change: p.Leu936Val; replaces leucine 936 with valine.
Molecular consequence: missense variant.
Genome position (GRCh38, 1-based): chr11:108,268,577, C>G. VCF-style: chr11-108268577-C-G. GRCh37 (hg19) VCF-style: chr11-108139304-C-G.
Other names: c.2806C>G, p.Leu936Val (NM_001351834.2); short protein forms L936V.
Identifiers: ClinVar variation 643415 (VCV000643415.12), dbSNP rs1422401186, ClinGen allele CA382545693.